The following is an entry in ClinVar:

ClinVar aggregate classification (germline): Uncertain significance. Review status: criteria provided, multiple submitters, no conflicts (2 of 4 stars). 3 submissions from 3 submitters: Uncertain significance (3). Last evaluated 2024-06-17.

Conditions:
Hennekam lymphangiectasia-lymphedema syndrome 2 (HKLLS2). Identifiers: Orphanet 2136, MedGen C4014939, MONDO:0014454, OMIM 616006.
Van Maldergem syndrome 2 (VMLDS2). Identifiers: Orphanet 314679, MedGen C3809875, MONDO:0014242, OMIM 615546.

Allele frequency attached by ClinVar (database versions not stated): gnomAD exomes below 0.00001; TOPMed below 0.00001; gnomAD 0.00001; ESP Exome Variant Server 0.00008.
gnomAD v4.1: 6 of 1,613,700 alleles (0.00037%); highest among the groups gnomAD compares: African/African-American, 0.0013%; no homozygotes.

Submissions (3):

Fulgent Genetics
Classification: Uncertain significance for Van Maldergem syndrome 2; Hennekam lymphangiectasia-lymphedema syndrome 2. Last evaluated: 2024-06-17. Review status: criteria provided, single submitter. Criteria: ACMG Guidelines, 2015. Collection method: clinical testing. Allele origin: germline.

Labcorp Genetics (formerly Invitae), Labcorp
Classification: Uncertain significance. Last evaluated: 2024-02-09. Review status: criteria provided, single submitter. Criteria: Invitae Variant Classification Sherloc (09022015). Collection method: clinical testing. Allele origin: germline.
Comment: This sequence change replaces aspartic acid, which is acidic and polar, with glycine, which is neutral and non-polar, at codon 1785 of the FAT4 protein (p.Asp1785Gly). This variant is present in population databases (rs150299411, gnomAD 0.01%). This variant has not been reported in the literature in individuals affected with FAT4-related conditions. ClinVar contains an entry for this variant (Variation ID: 1477065). Advanced modeling of protein sequence and biophysical properties (such as structural, functional, and spatial information, amino acid conservation, physicochemical variation, residue mobility, and thermodynamic stability) performed at Invitae indicates that this missense variant is not expected to disrupt FAT4 protein function with a negative predictive value of 80%. In summary, the available evidence is currently insufficient to determine the role of this variant in disease. Therefore, it has been classified as a Variant of Uncertain Significance.

Blueprint Genetics
Classification: Uncertain significance. Last evaluated: 2022-02-07. Review status: criteria provided, single submitter. Criteria: ACMG Guidelines, 2015. Collection method: clinical testing. Allele origin: germline.

NM_001291303.3(FAT4):c.5354A>G (p.Asp1785Gly)

Gene: FAT4 (FAT atypical cadherin 4; plus strand). Cytogenetic location: 4q28.1.
Variant type: single nucleotide variant.
Coding change: c.5354A>G on transcript NM_001291303.3 (MANE Select); coding-DNA position 5354, A replaced by G.
Protein change: p.Asp1785Gly; replaces aspartic acid 1785 with glycine.
Molecular consequence: missense variant.
Genome position (GRCh38, 1-based): chr4:125,406,926, A>G. VCF-style: chr4-125406926-A-G. GRCh37 (hg19) VCF-style: chr4-126328081-A-G.
Other names: c.5354A>G, p.Asp1785Gly (NM_001291285.3, NM_024582.6); c.5354A>G (NM_024582.5); short protein forms D1785G.
Identifiers: ClinVar variation 1477065 (VCV001477065.8), dbSNP rs150299411, ClinGen allele CA104848064.